The following is an entry in ClinVar:

NM_001003699.4(RREB1):c.1659A>G (p.Ser553=)

Gene: RREB1 (ras responsive element binding protein 1; plus strand). Cytogenetic location: 6p24.3.
Variant type: single nucleotide variant.
Coding change: c.1659A>G on transcript NM_001003699.4 (MANE Select); coding-DNA position 1659, A replaced by G.
Protein change: p.Ser553=; no amino-acid change (serine 553 retained).
Molecular consequence: synonymous variant.
Genome position (GRCh38, 1-based): chr6:7,229,758, A>G. VCF-style: chr6-7229758-A-G. GRCh37 (hg19) VCF-style: chr6-7229991-A-G.
Other names: c.1659A>G, p.Ser553= (NM_001003698.4, NM_001003700.2, NM_001168344.2).
Identifiers: ClinVar variation 773701 (VCV000773701.7), dbSNP rs76430868, ClinGen allele CA3625603.

ClinVar aggregate classification (germline): Benign. Review status: criteria provided, multiple submitters, no conflicts (2 of 4 stars). 3 submissions from 3 submitters: Benign (2). 1 of the submissions does not count toward it. Last evaluated 2026-05-13.

Conditions:
RREB1-related disorder. Also called: RREB1-related condition.

Allele frequency attached by ClinVar (database versions not stated): gnomAD 0.00121; 1000 Genomes Project 30x 0.00515; 1000 Genomes Project 0.00539; TOPMed 0.00139.
gnomAD v4.1: 980 of 1,605,258 alleles (0.061%); highest among the groups gnomAD compares: East Asian, 2%; 7 homozygotes.

Submissions (3):

Women's Health and Genetics/Laboratory Corporation of America, LabCorp
Classification: Benign. Last evaluated: 2026-05-13. Review status: criteria provided, single submitter. Criteria: LabCorp Variant Classification Summary - May 2015. Collection method: clinical testing. Allele origin: germline.

Labcorp Genetics (formerly Invitae), Labcorp
Classification: Benign. Last evaluated: 2019-12-31. Review status: criteria provided, single submitter. Criteria: Invitae Variant Classification Sherloc (09022015). Collection method: clinical testing. Allele origin: germline.

PreventionGenetics, part of Exact Sciences
Classification: Benign for RREB1-related condition. Last evaluated: 2019-04-01. Review status: no assertion criteria provided. Collection method: clinical testing. Allele origin: germline. Not counted in ClinVar's aggregate classification.
Comment: This variant is classified as benign based on ACMG/AMP sequence variant interpretation guidelines (Richards et al. 2015 PMID: 25741868, with internal and published modifications).